The following is an entry in ClinVar:

NM_058163.3(TSR2):c.17A>G (p.Glu6Gly)

Gene: TSR2 (TSR2 ribosome maturation factor; plus strand). Cytogenetic location: Xp11.22.
Variant type: single nucleotide variant.
Coding change: c.17A>G on transcript NM_058163.3 (MANE Select); coding-DNA position 17, A replaced by G.
Protein change: p.Glu6Gly; replaces glutamic acid 6 with glycine.
Molecular consequence: missense variant. On other transcripts: 5 prime UTR variant (3).
Genome position (GRCh38, 1-based): chrX:54,440,438, A>G. VCF-style: chrX-54440438-A-G. GRCh37 (hg19) VCF-style: chrX-54466871-A-G.
Other names: c.17A>G, p.Glu6Gly (NM_001346789.2); c.-371A>G (NM_001346790.2); c.-380A>G (NM_001346791.2); c.-178A>G (NM_001346792.2); c.17A>G (NM_058163.1); short protein forms E6G.
Identifiers: ClinVar variation 2635895 (VCV002635895.2), dbSNP rs766509451, ClinGen allele CA10424764.

ClinVar aggregate classification (germline): Uncertain significance. Review status: criteria provided, multiple submitters, no conflicts (2 of 4 stars). 2 submissions from 2 submitters: Uncertain significance (2). Last evaluated 2025-08-29.

Conditions:
TSR2-related disorder. Also called: TSR2-related condition.

Allele frequency attached by ClinVar (database versions not stated): TOPMed 0.00001; gnomAD 0.00002; gnomAD exomes 0.00002; ExAC 0.00004.
gnomAD v4.1: 21 of 1,123,914 alleles (0.0019%); highest among the groups gnomAD compares: South Asian, 0.0023%; no homozygotes.

Submissions (2):

Ambry Genetics
Classification: Uncertain significance. Last evaluated: 2025-08-29. Review status: criteria provided, single submitter. Criteria: Ambry Variant Classification Scheme 2023. Collection method: clinical testing. Allele origin: germline.

PreventionGenetics, part of Exact Sciences
Classification: Uncertain significance for TSR2-related condition. Last evaluated: 2022-10-05. Review status: criteria provided, single submitter. Criteria: ACMG Guidelines, 2015. Collection method: clinical testing. Allele origin: germline.
Comment: The TSR2 c.17A>G variant is predicted to result in the amino acid substitution p.Glu6Gly. To our knowledge, this variant has not been reported in the literature. This variant is reported in 0.0027% of alleles in individuals of European (Non-Finnish) descent in gnomAD. At this time, the clinical significance of this variant is uncertain due to the absence of conclusive functional and genetic evidence.